The following is an entry in ClinVar:

ClinVar aggregate classification (germline): Uncertain significance (1 of 4 stars; one submission).

Conditions:
DICER1-related tumor predisposition. Also called: DICER1-related pleuropulmonary blastoma cancer predisposition syndrome; DICER1 syndrome. Identifiers: Orphanet 284343, MedGen C3839822, MONDO:0100216.

Submission:

Labcorp Genetics (formerly Invitae), Labcorp
Classification: Uncertain significance for DICER1-related tumor predisposition. Last evaluated: 2023-01-10. Review status: criteria provided, single submitter. Criteria: Invitae Variant Classification Sherloc (09022015). Collection method: clinical testing. Allele origin: germline.
Comment: This sequence change replaces tyrosine, which is neutral and polar, with cysteine, which is neutral and slightly polar, at codon 1417 of the DICER1 protein (p.Tyr1417Cys). This variant is not present in population databases (gnomAD no frequency). This variant has not been reported in the literature in individuals affected with DICER1-related conditions. Algorithms developed to predict the effect of missense changes on protein structure and function output the following: SIFT: "Tolerated"; PolyPhen-2: "Benign"; Align-GVGD: "Class C0". The cysteine amino acid residue is found in multiple mammalian species, which suggests that this missense change does not adversely affect protein function. In summary, the available evidence is currently insufficient to determine the role of this variant in disease. Therefore, it has been classified as a Variant of Uncertain Significance.

NM_177438.3(DICER1):c.4250A>G (p.Tyr1417Cys)

Gene: DICER1 (dicer 1, ribonuclease III; minus strand). Cytogenetic location: 14q32.13.
Variant type: single nucleotide variant.
Coding change: c.4250A>G on transcript NM_177438.3 (MANE Select); coding-DNA position 4250, A replaced by G.
Protein change: p.Tyr1417Cys; replaces tyrosine 1417 with cysteine.
Molecular consequence: missense variant. On other transcripts: non-coding transcript variant (6).
Genome position (GRCh38, 1-based): chr14:95,096,670, T>C on the plus strand (A>G on the coding strand, the complement: DICER1 is on the minus strand). VCF-style: chr14-95096670-T-C. GRCh37 (hg19) VCF-style: chr14-95563007-T-C.
Other names: c.4250A>G, p.Tyr1417Cys (NM_001195573.1, NM_001271282.3, NM_001291628.2 and 13 more transcripts); c.3968A>G, p.Tyr1323Cys (NM_001395686.1); c.3845A>G, p.Tyr1282Cys (NM_001395687.1, NM_001395688.1, NM_001395689.1 and 2 more transcripts); c.3683A>G, p.Tyr1228Cys (NM_001395691.1); c.2567A>G, p.Tyr856Cys (NM_001395697.1); short protein forms Y1228C, Y1282C, Y1323C, Y1417C, Y856C.
Identifiers: ClinVar variation 2825397 (VCV002825397.3), dbSNP rs768820364, ClinGen allele CA390869708.